The following is an entry in ClinVar:

ClinVar aggregate classification (germline): Uncertain significance (1 of 4 stars; one submission).

Conditions:
Distal myopathy with posterior leg and anterior hand involvement. Also called: WILLIAMS DISTAL MYOPATHY. Identifiers: Orphanet 63273, MedGen C3279722, MONDO:0013550, OMIM 614065.
Hypertrophic cardiomyopathy 26. Also called: Cardiomyopathy, familial hypertrophic, 26. Identifiers: Orphanet 75249, MedGen C4310749, MONDO:0014883, OMIM 617047.
Myofibrillar myopathy 5. Also called: Filaminopathy (type); FILAMINOPATHY, AUTOSOMAL DOMINANT. Identifiers: Orphanet 171445, MedGen C1836050, MONDO:0012289, OMIM 609524.

Submission:

Labcorp Genetics (formerly Invitae), Labcorp
Classification: Uncertain significance for Distal myopathy with posterior leg and anterior hand involvement; Myofibrillar myopathy 5; Hypertrophic cardiomyopathy 26. Last evaluated: 2024-07-30. Review status: criteria provided, single submitter. Criteria: Invitae Variant Classification Sherloc (09022015). Collection method: clinical testing. Allele origin: germline.
Comment: This sequence change replaces serine, which is neutral and polar, with threonine, which is neutral and polar, at codon 927 of the FLNC protein (p.Ser927Thr). This variant is not present in population databases (gnomAD no frequency). This variant has not been reported in the literature in individuals affected with FLNC-related conditions. Advanced modeling of protein sequence and biophysical properties (such as structural, functional, and spatial information, amino acid conservation, physicochemical variation, residue mobility, and thermodynamic stability) has been performed at Invitae for this missense variant, however the output from this modeling did not meet the statistical confidence thresholds required to predict the impact of this variant on FLNC protein function. In summary, the available evidence is currently insufficient to determine the role of this variant in disease. Therefore, it has been classified as a Variant of Uncertain Significance.

NM_001458.5(FLNC):c.2779T>A (p.Ser927Thr)

Gene: FLNC (filamin C; plus strand). Cytogenetic location: 7q32.1.
Variant type: single nucleotide variant.
Coding change: c.2779T>A on transcript NM_001458.5 (MANE Select); coding-DNA position 2779, T replaced by A.
Protein change: p.Ser927Thr; replaces serine 927 with threonine.
Molecular consequence: missense variant.
Genome position (GRCh38, 1-based): chr7:128,843,545, T>A. VCF-style: chr7-128843545-T-A. GRCh37 (hg19) VCF-style: chr7-128483599-T-A.
Other names: c.2779T>A, p.Ser927Thr (NM_001127487.2); short protein forms S927T.
Identifiers: ClinVar variation 3757426 (VCV003757426.2).